The following is an entry in ClinVar:

ClinVar aggregate classification (germline): Likely benign (0 of 4 stars; one submission).

Conditions:
VPS13A-related disorder. Also called: VPS13A-related condition.

Allele frequency attached by ClinVar (database versions not stated): gnomAD exomes below 0.00001; TOPMed below 0.00001; gnomAD 0.00001; 1000 Genomes Project 30x 0.00031; 1000 Genomes Project 0.00040.
gnomAD v4.1: 7 of 1,613,140 alleles (0.00043%); highest among the groups gnomAD compares: East Asian, 0.0045%; no homozygotes.

Submission:

PreventionGenetics, part of Exact Sciences
Classification: Likely benign for VPS13A-related condition. Last evaluated: 2020-07-28. Review status: no assertion criteria provided. Collection method: clinical testing. Allele origin: germline.
Comment: This variant is classified as likely benign based on ACMG/AMP sequence variant interpretation guidelines (Richards et al. 2015 PMID: 25741868, with internal and published modifications).

NM_033305.3(VPS13A):c.2736A>T (p.Gly912=)

Gene: VPS13A (vacuolar protein sorting 13 homolog A; plus strand). Cytogenetic location: 9q21.2.
Variant type: single nucleotide variant.
Coding change: c.2736A>T on transcript NM_033305.3 (MANE Select); coding-DNA position 2736, A replaced by T.
Protein change: p.Gly912=; no amino-acid change (glycine 912 retained).
Molecular consequence: synonymous variant.
Genome position (GRCh38, 1-based): chr9:77,276,133, A>T. VCF-style: chr9-77276133-A-T. GRCh37 (hg19) VCF-style: chr9-79891049-A-T.
Other names: c.2736A>T, p.Gly912= (NM_001018037.2, NM_001018038.3, NM_015186.4).
Identifiers: ClinVar variation 3035939 (VCV003035939.2), dbSNP rs542850295, ClinGen allele CA194373714.